The following is an entry in ClinVar:

ClinVar aggregate classification (germline): Uncertain significance (1 of 4 stars; one submission).

Conditions:
Cardiovascular phenotype. Identifiers: MedGen CN230736.

Submission:

Ambry Genetics
Classification: Uncertain significance for Cardiovascular phenotype. Last evaluated: 2024-08-15. Review status: criteria provided, single submitter. Criteria: Ambry Variant Classification Scheme 2023. Collection method: clinical testing. Allele origin: germline.
Comment: The p.E2587K variant (also known as c.7759G>A), located in coding exon 53 of the DMD gene, results from a G to A substitution at nucleotide position 7759. The glutamic acid at codon 2587 is replaced by lysine, an amino acid with similar properties. This amino acid position is well conserved in available vertebrate species. In addition, this alteration is predicted to be tolerated by in silico analysis. Based on the available evidence, the clinical significance of this variant remains unclear.

NM_004006.3(DMD):c.7759G>A (p.Glu2587Lys)

Gene: DMD (dystrophin; minus strand). Cytogenetic location: Xp21.1.
Variant type: single nucleotide variant.
Coding change: c.7759G>A on transcript NM_004006.3 (MANE Select); coding-DNA position 7759, G replaced by A.
Protein change: p.Glu2587Lys; replaces glutamic acid 2587 with lysine.
Molecular consequence: missense variant.
Genome position (GRCh38, 1-based): chrX:31,679,488, C>T on the plus strand (G>A on the coding strand, the complement: DMD is on the minus strand). VCF-style: chrX-31679488-C-T. GRCh37 (hg19) VCF-style: chrX-31697605-C-T.
Other names: c.7735G>A, p.Glu2579Lys (NM_000109.4); c.7747G>A, p.Glu2583Lys (NM_004009.3); c.7390G>A, p.Glu2464Lys (NM_004010.3); c.3736G>A, p.Glu1246Lys (NM_004011.4); c.3727G>A, p.Glu1243Lys (NM_004012.4); c.379G>A, p.Glu127Lys (NM_004013.3, NM_004020.4, NM_004021.3 and 2 more transcripts); short protein forms E127K, E2587K, E2464K, E2583K, E1243K, E1246K, E2579K.
Identifiers: ClinVar variation 3502578 (VCV003502578.1).
Genomic context (GRCh38, chrX:31,679,488, plus strand): 5'-TCCATGACTCAAGCTTGGCTCTGGCCTGTCCTAAGACCTGCTCAGCTTCTTCCTTAGCTT[C>T]CAGCCATTGTGTTGAATCCTTTAACATTTCATTCAACTGTTGCCTCCGGTTCTGAAGGTG-3'
Protein context (NP_003997.2, residues 2577-2597): EMLKDSTQWL[Glu2587Lys]AKEEAEQVLG